The following is an entry in ClinVar:

NM_004525.3(LRP2):c.6166C>T (p.Arg2056Trp)

Gene: LRP2 (LDL receptor related protein 2; minus strand). Cytogenetic location: 2q31.1.
Variant type: single nucleotide variant.
Coding change: c.6166C>T on transcript NM_004525.3 (MANE Select); coding-DNA position 6166, C replaced by T.
Protein change: p.Arg2056Trp; replaces arginine 2056 with tryptophan.
Molecular consequence: missense variant.
Genome position (GRCh38, 1-based): chr2:169,212,082, G>A on the plus strand (C>T on the coding strand, the complement: LRP2 is on the minus strand). VCF-style: chr2-169212082-G-A. GRCh37 (hg19) VCF-style: chr2-170068592-G-A.
Other names: c.6166C>T (NM_004525.2); short protein forms R2056W.
Identifiers: ClinVar variation 1349895 (VCV001349895.9), dbSNP rs529172182, ClinGen allele CA1954349.

ClinVar aggregate classification (germline): Uncertain significance. Review status: criteria provided, multiple submitters, no conflicts (2 of 4 stars). 5 submissions from 5 submitters: Uncertain significance (5). Last evaluated 2026-05-22.

Conditions:
LRP2-related disorder. Also called: LRP2-related condition.
Donnai-Barrow syndrome. Also called: DBS/FOAR SYNDROME; FACIOOCULOACOUSTICORENAL SYNDROME. Identifiers: Orphanet 2143, MedGen C1857277, MONDO:0009104, OMIM 222448.

Allele frequency attached by ClinVar (database versions not stated): TOPMed 0.00002; gnomAD 0.00005 and 0.00009; gnomAD exomes 0.00007 and 0.00012; ExAC 0.00015; 1000 Genomes Project 30x 0.00031; 1000 Genomes Project 0.00040.
gnomAD v4.1: 124 of 1,614,046 alleles (0.0077%); highest among the groups gnomAD compares: South Asian, 0.08%; no homozygotes.

Submissions (5):

PreventionGenetics, part of Exact Sciences
Classification: Uncertain significance for LRP2-related condition. Last evaluated: 2026-05-22. Review status: criteria provided, single submitter. Criteria: ACMG Guidelines, 2015. Collection method: clinical testing. Allele origin: germline.
Comment: The LRP2 c.6166C>T variant is predicted to result in the amino acid substitution p.Arg2056Trp. To our knowledge, this variant has not been reported in the literature. This variant is reported in 0.091% of alleles in individuals of South Asian descent in gnomAD. Although we suspect that this variant may be benign, at this time, the clinical significance of this variant is uncertain due to the absence of conclusive functional and genetic evidence.

Fulgent Genetics
Classification: Uncertain significance for Donnai-Barrow syndrome. Last evaluated: 2024-05-21. Review status: criteria provided, single submitter. Criteria: ACMG Guidelines, 2015. Collection method: clinical testing. Allele origin: germline.

Blueprint Genetics
Classification: Uncertain significance. Last evaluated: 2023-09-11. Review status: criteria provided, single submitter. Criteria: ACMG Guidelines, 2015. Collection method: clinical testing. Allele origin: germline.

Labcorp Genetics (formerly Invitae), Labcorp
Classification: Uncertain significance. Last evaluated: 2022-10-13. Review status: criteria provided, single submitter. Criteria: Invitae Variant Classification Sherloc (09022015). Collection method: clinical testing. Allele origin: germline.
Comment: This sequence change replaces arginine, which is basic and polar, with tryptophan, which is neutral and slightly polar, at codon 2056 of the LRP2 protein (p.Arg2056Trp). This variant is present in population databases (rs529172182, gnomAD 0.09%). This variant has not been reported in the literature in individuals affected with LRP2-related conditions. ClinVar contains an entry for this variant (Variation ID: 1349895). Advanced modeling of protein sequence and biophysical properties (such as structural, functional, and spatial information, amino acid conservation, physicochemical variation, residue mobility, and thermodynamic stability) performed at Invitae indicates that this missense variant is not expected to disrupt LRP2 protein function. In summary, the available evidence is currently insufficient to determine the role of this variant in disease. Therefore, it has been classified as a Variant of Uncertain Significance.

Department of Pathology and Laboratory Medicine, Sinai Health System
Classification: Uncertain significance for Donnai-Barrow syndrome. Last evaluated: 2021-07-30. Review status: criteria provided, single submitter. Criteria: ACMG Guidelines, 2015. Collection method: research. Allele origin: germline.